The following is an entry in ClinVar:

NM_001177949.2(SYCP3):c.-53C>G

Gene: SYCP3 (synaptonemal complex protein 3; minus strand). Cytogenetic location: 12q23.2.
Variant type: single nucleotide variant.
Coding change: c.-53C>G on transcript NM_001177949.2 (MANE Select); 53 bases upstream of the start codon, C replaced by G.
Molecular consequence: 5 prime UTR variant.
Genome position (GRCh38, 1-based): chr12:101,739,386, G>C on the plus strand (C>G on the coding strand, the complement: SYCP3 is on the minus strand). VCF-style: chr12-101739386-G-C. GRCh37 (hg19) VCF-style: chr12-102133164-G-C.
Other names: c.-38C>G (NM_001177948.2); c.-49C>G (NM_153694.5).
Identifiers: ClinVar variation 880982 (VCV000880982.4), dbSNP rs137993065, ClinGen allele CA242438035.
Genomic context (GRCh38, chr12:101,739,386, plus strand): 5'-AGACAGACGCCTCCCCTGCTCACACCTGAAACACACCGCAATGGCCGAGGACCAGTTACT[G>C]GTCGTCGACAGGCGTCCTCCACAACTCCTCCACAAGCGCGCTTCACCTGAGGTGGCCCCT-3'

ClinVar aggregate classification (germline): Benign (1 of 4 stars; one submission).

Conditions:
Spermatogenic failure 4. Also called: AZOOSPERMIA WITH MATURATION ARREST; PREGNANCY LOSS 4. Identifiers: MedGen C0232981, MONDO:0010052, OMIM 270960.

Allele frequency attached by ClinVar (database versions not stated): gnomAD exomes 0.00013; 1000 Genomes Project 0.00060; 1000 Genomes Project 30x 0.00062; gnomAD 0.00166 and 0.00185; TOPMed 0.00178.

Submission:

Illumina Laboratory Services, Illumina
Classification: Benign for Spermatogenic failure 4. Last evaluated: 2018-01-13. Review status: criteria provided, single submitter. Criteria: ICSL Variant Classification Criteria 13 December 2019. Collection method: clinical testing. Allele origin: germline.
Comment: This variant was observed in the ICSL laboratory as part of a predisposition screen in an ostensibly healthy population. It had not been previously curated by ICSL or reported in the Human Gene Mutation Database (HGMD: prior to June 1st, 2018), and was therefore a candidate for classification through an automated scoring system. Utilizing variant allele frequency, disease prevalence and penetrance estimates, and inheritance mode, an automated score was calculated to assess if this variant is too frequent to cause the disease. Based on the score and internal cut-off values, a variant classified as benign is not then subjected to further curation. The score for this variant resulted in a classification of benign for this disease.